The following is an entry in ClinVar:

ClinVar aggregate classification (germline): Uncertain significance (1 of 4 stars; one submission).

Conditions:
Familial meningioma. Also called: Meningioma, familial, susceptibility to. Identifiers: Orphanet 263662, MedGen C3551915, MONDO:0011789, OMIM 607174.

Submission:

Labcorp Genetics (formerly Invitae), Labcorp
Classification: Uncertain significance for Familial meningioma. Last evaluated: 2022-10-07. Review status: criteria provided, single submitter. Criteria: Invitae Variant Classification Sherloc (09022015). Collection method: clinical testing. Allele origin: germline.
Comment: This sequence change replaces glutamic acid, which is acidic and polar, with lysine, which is basic and polar, at codon 352 of the SMARCE1 protein (p.Glu352Lys). Information on the frequency of this variant in the gnomAD database is not available, as this variant may be reported differently in the database. This variant has not been reported in the literature in individuals affected with SMARCE1-related conditions. Experimental studies and prediction algorithms are not available or were not evaluated, and the functional significance of this variant is currently unknown. In summary, the available evidence is currently insufficient to determine the role of this variant in disease. Therefore, it has been classified as a Variant of Uncertain Significance.

NM_003079.5(SMARCE1):c.1053_1054delinsTA (p.Glu352Lys)

Gene: SMARCE1 (SWI/SNF related BAF chromatin remodeling complex subunit E1; minus strand). Cytogenetic location: 17q21.2.
Variant type: Indel.
Coding change: c.1053_1054delinsTA on transcript NM_003079.5 (MANE Select); coding-DNA positions 1053 to 1054, AG replaced by TA.
Protein change: p.Glu352Lys; replaces glutamic acid 352 with lysine.
Molecular consequence: missense variant.
Genome position (GRCh38, 1-based): chr17:40,628,967-40,628,968, CT replaced by TA on the plus strand (AG replaced by TA on the coding strand, the reverse complement: SMARCE1 is on the minus strand). VCF-style: chr17-40628967-CT-TA. GRCh37 (hg19) VCF-style: chr17-38785219-CT-TA.
Other names: short protein forms E352K.
Identifiers: ClinVar variation 1721200 (VCV001721200.5), dbSNP rs2508592886, ClinGen allele CA2580093677.